The following is an entry in ClinVar:

ClinVar aggregate classification (germline): Pathogenic (1 of 4 stars; one submission).

Submission:

Eurofins Ntd Llc (ga)
Classification: Pathogenic. Last evaluated: 2013-06-28. Review status: criteria provided, single submitter. Criteria: EGL Classification Definitions. Collection method: clinical testing. Allele origin: germline. Observed: 1 variant allele, 1 heterozygote.
Comment: Frameshift: Although this change has not been reported previously, it is of a type predicted to cause disease. Cdc

Literature cited by the submitters: PubMed 23757202.

NM_001349338.3(FOXP1):c.1670_1685dup (p.Ser562fs)

Gene: FOXP1 (forkhead box P1; minus strand). Cytogenetic location: 3p13.
Variant type: Duplication.
Coding change: c.1670_1685dup on transcript NM_001349338.3 (MANE Select); coding-DNA positions 1670 to 1685, 16 bases duplicated (AAAACATGCAGAGCAG).
Protein change: p.Ser562fs; shifts the reading frame from serine 562.
Molecular consequence: frameshift variant. On other transcripts: non-coding transcript variant (2).
Genome position (GRCh38, 1-based): chr3:70,970,773-70,970,788, CTGCTCTGCATGTTTT duplicated on the plus strand (AAAACATGCAGAGCAG on the coding strand, the reverse complement: FOXP1 is on the minus strand). VCF-style (leftmost placement, unchanged base first): chr3-70970772-G-GCTGCTCTGCATGTTTT. GRCh37 (hg19) VCF-style: chr3-71019923-G-GCTGCTCTGCATGTTTT.
Other names: c.1670_1685dupAAAACATGCAGAGCAG (NM_032682.5); c.1667_1682dup, p.Ser561fs (NM_001244808.3, NM_001349341.3); c.1718_1733dup, p.Ser578fs (NM_001244810.2); c.1442_1457dup, p.Ser486fs (NM_001244812.3); c.1370_1385dup, p.Ser462fs (NM_001244813.3, NM_001244815.2, NM_001349342.3); c.1670_1685dup, p.Ser562fs (NM_001244814.3, NM_001244816.2, NM_001349340.3 and 1 more transcripts); c.1367_1382dup, p.Ser461fs (NM_001349337.2, NM_001349343.3, NM_001349344.3 and 1 more transcripts); short protein forms S461fs, S486fs, S561fs, S562fs, S578fs, S462fs.
Identifiers: ClinVar variation 96227 (VCV000096227.6), dbSNP rs398124429, ClinGen allele CA223843.